The following is an entry in ClinVar:

ClinVar aggregate classification (germline): Benign (1 of 4 stars; one submission).

Conditions:
Lynch syndrome 5 (LYNCH5). Also called: Colorectal cancer, hereditary nonpolyposis, type 5; Hereditary non-polyposis colorectal cancer, type 5. Identifiers: Orphanet 144, MedGen C1833477, MONDO:0013710, OMIM 614350. Disease mechanism: loss of function.

Submission:

Myriad Genetics, Inc.
Classification: Benign for Lynch syndrome 5. Last evaluated: 2024-12-31. Review status: criteria provided, single submitter. Criteria: Myriad Autosomal Dominant, Autosomal Recessive and X-Linked Classification Criteria (2023). Collection method: clinical testing. Allele origin: unknown.
Comment: This variant is considered benign. This variant is a silent/synonymous amino acid change and it is not expected to impact splicing.

NM_000179.3(MSH6):c.2484T>C (p.Val828=)

Gene: MSH6 (mutS homolog 6; plus strand). Cytogenetic location: 2p16.3.
Variant type: single nucleotide variant.
Coding change: c.2484T>C on transcript NM_000179.3 (MANE Select); coding-DNA position 2484, T replaced by C.
Protein change: p.Val828=; no amino-acid change (valine 828 retained).
Molecular consequence: synonymous variant. On other transcripts: non-coding transcript variant (5), intron variant (3).
Genome position (GRCh38, 1-based): chr2:47,800,467, T>C. VCF-style: chr2-47800467-T-C. GRCh37 (hg19) VCF-style: chr2-48027606-T-C.
Other names: c.2094T>C, p.Val698= (NM_001281492.2); c.1578T>C, p.Val526= (NM_001281493.2, NM_001281494.2, NM_001406811.1 and 6 more transcripts); c.2580T>C, p.Val860= (NM_001406795.1, NM_001406802.1); c.2484T>C, p.Val828= (NM_001406796.1, NM_001406798.1, NM_001406800.1 and 2 more transcripts); c.2187T>C, p.Val729= (NM_001406797.1, NM_001406801.1, NM_001406805.1 and 10 more transcripts); c.1959T>C, p.Val653= (NM_001406799.1, NM_001406806.1, NM_001406807.1); c.2406T>C, p.Val802= (NM_001406804.1); c.2490T>C, p.Val830= (NM_001406813.1); and 4 more.
Identifiers: ClinVar variation 3903590 (VCV003903590.1).
Genomic context (GRCh38, chr2:47,800,467, plus strand): 5'-TGTAGAGCTTCTAAAGAAGCTTCCAGATCTTGAGAGGCTACTCAGTAAAATTCATAATGT[T>C]GGGTCTCCCCTGAAGAGTCAGAACCACCCAGACAGCAGGGCTATAATGTATGAAGAAACT-3'
Protein context (NP_000170.1, residues 818-838): LERLLSKIHN[Val828=]GSPLKSQNHP